The following is an entry in ClinVar:

NM_031935.3(HMCN1):c.8551G>T (p.Val2851Leu)

Gene: HMCN1 (hemicentin 1; plus strand). Cytogenetic location: 1q31.1.
Variant type: single nucleotide variant.
Coding change: c.8551G>T on transcript NM_031935.3 (MANE Select); coding-DNA position 8551, G replaced by T.
Protein change: p.Val2851Leu; replaces valine 2851 with leucine.
Molecular consequence: missense variant.
Genome position (GRCh38, 1-based): chr1:186,078,172, G>T. VCF-style: chr1-186078172-G-T. GRCh37 (hg19) VCF-style: chr1-186047304-G-T.
Other names: short protein forms V2851L.
Identifiers: ClinVar variation 2890427 (VCV002890427.3), dbSNP rs781512437, ClinGen allele CA1293161.

ClinVar aggregate classification (germline): Uncertain significance (1 of 4 stars; one submission).

Allele frequency attached by ClinVar (database versions not stated): gnomAD 0.00001; ExAC 0.00010.
gnomAD v4.1: 34 of 1,613,688 alleles (0.0021%); highest among the groups gnomAD compares: Admixed American, 0.03%; no homozygotes.

Submission:

Labcorp Genetics (formerly Invitae), Labcorp
Classification: Uncertain significance. Last evaluated: 2024-08-06. Review status: criteria provided, single submitter. Criteria: Invitae Variant Classification Sherloc (09022015). Collection method: clinical testing. Allele origin: germline.
Comment: This sequence change replaces valine, which is neutral and non-polar, with leucine, which is neutral and non-polar, at codon 2851 of the HMCN1 protein (p.Val2851Leu). This variant is present in population databases (rs781512437, gnomAD 0.03%). This variant has not been reported in the literature in individuals affected with HMCN1-related conditions. An algorithm developed to predict the effect of missense changes on protein structure and function (PolyPhen-2) suggests that this variant is likely to be disruptive. In summary, the available evidence is currently insufficient to determine the role of this variant in disease. Therefore, it has been classified as a Variant of Uncertain Significance.